The following is an entry in ClinVar:

NM_001042492.3(NF1):c.6720T>G (p.Tyr2240Ter)

Gene: NF1 (neurofibromin 1; plus strand). Cytogenetic location: 17q11.2.
Variant type: single nucleotide variant.
Coding change: c.6720T>G on transcript NM_001042492.3 (MANE Select); coding-DNA position 6720, T replaced by G.
Protein change: p.Tyr2240Ter; replaces tyrosine 2240 with a stop codon.
Molecular consequence: nonsense.
Genome position (GRCh38, 1-based): chr17:31,338,040, T>G. VCF-style: chr17-31338040-T-G. GRCh37 (hg19) VCF-style: chr17-29665058-T-G.
Other names: c.6657T>G, p.Tyr2219Ter (NM_000267.4); short protein forms Y2219*, Y2240*.
Identifiers: ClinVar variation 1072469 (VCV001072469.6), dbSNP rs2151558071, ClinGen allele CA399014013.

ClinVar aggregate classification (germline): Pathogenic. Review status: criteria provided, multiple submitters, no conflicts (2 of 4 stars). 2 submissions from 2 submitters: Pathogenic (2). Last evaluated 2025-11-25.

Conditions:
Hereditary cancer-predisposing syndrome. Also called: Tumor predisposition; Neoplastic Syndromes, Hereditary; Hereditary neoplastic syndrome; Hereditary Cancer Syndrome. Identifiers: Orphanet 140162, MedGen C0027672, MeSH D009386, MONDO:0015356.
Cardiovascular phenotype. Identifiers: MedGen CN230736.
Neurofibromatosis, type 1 (NF1). Also called: VON RECKLINGHAUSEN DISEASE; Peripheral type neurofibromatosis; NEUROFIBROMATOSIS, TYPE I, SOMATIC; Neurofibromatosis, type I. Identifiers: Orphanet 636, MedGen C0027831, MONDO:0018975, OMIM 162200. Disease mechanism: loss of function.

Submissions (2):

Ambry Genetics
Classification: Pathogenic for Cardiovascular phenotype; Hereditary cancer-predisposing syndrome. Last evaluated: 2025-11-25. Review status: criteria provided, single submitter. Criteria: Ambry Variant Classification Scheme 2023. Collection method: clinical testing. Allele origin: germline.
Comment: The p.Y2219* pathogenic mutation (also known as c.6657T>G), located in coding exon 44 of the NF1 gene, results from a T to G substitution at nucleotide position 6657. This changes the amino acid from a tyrosine to a stop codon within coding exon 44. This variant is considered to be rare based on population cohorts in the Genome Aggregation Database (gnomAD). This alteration is expected to result in loss of function by premature protein truncation or nonsense-mediated mRNA decay. As such, this alteration is interpreted as a disease-causing mutation.

Labcorp Genetics (formerly Invitae), Labcorp
Classification: Pathogenic for Neurofibromatosis, type 1. Last evaluated: 2023-12-30. Review status: criteria provided, single submitter. Criteria: Invitae Variant Classification Sherloc (09022015). Collection method: clinical testing. Allele origin: germline.
Comment: This sequence change creates a premature translational stop signal (p.Tyr2219*) in the NF1 gene. It is expected to result in an absent or disrupted protein product. Loss-of-function variants in NF1 are known to be pathogenic (PMID: 10712197, 23913538). This variant is not present in population databases (gnomAD no frequency). This variant has not been reported in the literature in individuals affected with NF1-related conditions. ClinVar contains an entry for this variant (Variation ID: 1072469). For these reasons, this variant has been classified as Pathogenic.

Literature cited by the submitters: PubMed 10712197 (cited by Labcorp Genetics (formerly Invitae), Labcorp); PubMed 23913538 (cited by Labcorp Genetics (formerly Invitae), Labcorp).